The following is an entry in ClinVar:

NM_033380.3(COL4A5):c.3670G>T (p.Glu1224Ter)

Gene: COL4A5 (collagen type IV alpha 5 chain; plus strand). Cytogenetic location: Xq22.3.
Variant type: single nucleotide variant.
Coding change: c.3670G>T on transcript NM_033380.3 (MANE Select); coding-DNA position 3670, G replaced by T.
Protein change: p.Glu1224Ter; replaces glutamic acid 1224 with a stop codon.
Molecular consequence: nonsense.
Genome position (GRCh38, 1-based): chrX:108,668,384, G>T. VCF-style: chrX-108668384-G-T. GRCh37 (hg19) VCF-style: chrX-107911614-G-T.
Other names: c.3670G>T, p.Glu1224Ter (NM_000495.5); short protein forms E1224*.
Identifiers: ClinVar variation 1077053 (VCV001077053.2), dbSNP rs1290001124, ClinGen allele CA413848619.

ClinVar aggregate classification (germline): Pathogenic. Review status: criteria provided, multiple submitters, no conflicts (2 of 4 stars). 2 submissions from 2 submitters: Pathogenic (2). Last evaluated 2026-01-07.

Conditions:
X-linked Alport syndrome (ATS1). Also called: COL4A5-Related Nephropathy; NEPHROPATHY AND DEAFNESS, X-LINKED. Identifiers: Orphanet 63, Orphanet 88917, MedGen C4746986, MONDO:0010520, OMIM 301050.

Submissions (2):

Labcorp Genetics (formerly Invitae), Labcorp
Classification: Pathogenic. Last evaluated: 2026-01-07. Review status: criteria provided, single submitter. Criteria: Invitae Variant Classification Sherloc (09022015). Collection method: clinical testing. Allele origin: germline.
Comment: This sequence change creates a premature translational stop signal (p.Glu1224*) in the COL4A5 gene. It is expected to result in an absent or disrupted protein product. Loss-of-function variants in COL4A5 are known to be pathogenic (PMID: 9195222, 10752524, 14514738, 24854265, 26809805). This variant is not present in population databases (gnomAD no frequency). This premature translational stop signal has been observed in individual(s) with COL4A5-related conditions (PMID: 29270492). ClinVar contains an entry for this variant (Variation ID: 1077053). For these reasons, this variant has been classified as Pathogenic.

Precision Medicine Center, Zhengzhou University
Classification: Pathogenic for X-linked Alport syndrome. Review status: criteria provided, single submitter. Criteria: ACMG Guidelines, 2015. Collection method: research. Allele origin: germline. Affected: yes.
Comment: PVS1:Null variant in the gene with established LOF as a disease mechanism PM1:Located in a mutational hot spot PM2:not found in gnomAD PP3:Multiple lines of computational evidence support a deleterious effect on the gene or gene product PP4:Patient's phenotype is highly specific for a disease

Literature cited by the submitters: PubMed 9195222 (cited by Labcorp Genetics (formerly Invitae), Labcorp); PubMed 10752524 (cited by Labcorp Genetics (formerly Invitae), Labcorp); PubMed 14514738 (cited by Labcorp Genetics (formerly Invitae), Labcorp); PubMed 24854265 (cited by Labcorp Genetics (formerly Invitae), Labcorp); PubMed 26809805 (cited by Labcorp Genetics (formerly Invitae), Labcorp); PubMed 29270492 (cited by Labcorp Genetics (formerly Invitae), Labcorp).